The following is an entry in ClinVar:

NM_001134363.3(RBM20):c.1004C>G (p.Ala335Gly)

Gene: RBM20 (RNA binding motif protein 20; plus strand). Cytogenetic location: 10q25.2.
Variant type: single nucleotide variant.
Coding change: c.1004C>G on transcript NM_001134363.3 (MANE Select); coding-DNA position 1004, C replaced by G.
Protein change: p.Ala335Gly; replaces alanine 335 with glycine.
Molecular consequence: missense variant.
Genome position (GRCh38, 1-based): chr10:110,781,613, C>G. VCF-style: chr10-110781613-C-G. GRCh37 (hg19) VCF-style: chr10-112541371-C-G.
Other names: short protein forms A335G.
Identifiers: ClinVar variation 2065578 (VCV002065578.4), dbSNP rs765185397, ClinGen allele CA378385262.

ClinVar aggregate classification (germline): Uncertain significance (1 of 4 stars; one submission).

Conditions:
Dilated cardiomyopathy 1DD (CMD1DD). Identifiers: Orphanet 154, MedGen C2750995, MONDO:0013168, OMIM 613172.

Submission:

Labcorp Genetics (formerly Invitae), Labcorp
Classification: Uncertain significance for Dilated cardiomyopathy 1DD. Last evaluated: 2025-02-05. Review status: criteria provided, single submitter. Criteria: Invitae Variant Classification Sherloc (09022015). Collection method: clinical testing. Allele origin: germline.
Comment: This sequence change replaces alanine, which is neutral and non-polar, with glycine, which is neutral and non-polar, at codon 335 of the RBM20 protein (p.Ala335Gly). This variant is not present in population databases (gnomAD no frequency). This variant has not been reported in the literature in individuals affected with RBM20-related conditions. ClinVar contains an entry for this variant (Variation ID: 2065578). Invitae Evidence Modeling of protein sequence and biophysical properties (such as structural, functional, and spatial information, amino acid conservation, physicochemical variation, residue mobility, and thermodynamic stability) indicates that this missense variant is not expected to disrupt RBM20 protein function with a negative predictive value of 95%. In summary, the available evidence is currently insufficient to determine the role of this variant in disease. Therefore, it has been classified as a Variant of Uncertain Significance.